The following continues an entry in ClinVar:

NM_052845.4(MMAB):c.556C>T (p.Arg186Trp)

Gene: MMAB. ClinVar aggregate classification (germline): Pathogenic/Likely pathogenic. Pathogenic (13); Likely pathogenic (1).

Submissions 12 to 19 of 19:

Illumina Laboratory Services, Illumina
Classification: Pathogenic for Methylmalonic aciduria, cblB type. Last evaluated: 2017-04-28. Review status: criteria provided, single submitter. Criteria: ICSL Variant Classification Criteria 09 May 2019. Collection method: clinical testing. Allele origin: germline.
Comment: The MMAB c.556C>T (p. Arg186Trp) missense variant has been reported in six studies in which it is found in a total of 29 methylmalonic acidemia (MMA) patients, including 15 homozygotes, 13 compound heterozygotes, and one heterozygote in whom a second variant was not identified (Dobson et al. 2002; Lerner-Ellis et al. 2006; Hauser et al. 2011; O'Shea et al. 2012; Illson et al. 2013; Nizon et al. 2013). The variant was present in a heterozygous state in four of 120 non-cblB cell lines, absent from 100 control alleles, and is reported at a frequency of 0.00017 in the European (non-Finnish) population of the Exome Aggregation Consortium. Functional studies suggest that the p.Arg186Trp variant results in an unstable protein and disrupts affinity binding between MMAB and adenosylcobalamin (Zhang et al. 2006; Zhang et al. 2009). Based on the collective evidence, the p.Arg186Trp variant is classified as pathogenic for methylmalonic acidemia. This variant was observed by ICSL as part of a predisposition screen in an ostensibly healthy population.

Women's Health and Genetics/Laboratory Corporation of America, LabCorp
Classification: Pathogenic for Methylmalonic acidemia. Last evaluated: 2017-02-02. Review status: criteria provided, single submitter. Criteria: LabCorp Variant Classification Summary - May 2015. Collection method: clinical testing. Allele origin: germline.
Comment: Variant summary: The MMAB c.556C>T (p.Arg186Trp) variant located in the Adenosycobalamin biosnthesis domain (via InterPro) causes an alteration of a non-conserved nucleotide, which 4/4 in silico tools (SNPs&GO not captured due to low reliability index) predict a damaging outcome. The variant of interest was found in 17/120070 control chromosomes at a frequency of 0.0001416, which does not exceed the estimated maximal expected allele frequency of a pathogenic MMAB variant (0.0013944). Multiple publications cite the variant in affected individuals as homozygotes and compound heterozygotes and has been indicated to be a known common disease mutation (Lerner-Ellis_2006). In addition, multiple clinical diagnostic laboratories/reputable databases classified this variant as pathogenic. Taken together, this variant is classified as pathogenic.

UNC Molecular Genetics  Laboratory, University of North Carolina at Chapel Hill
Classification: Pathogenic for Vitamin B12-responsive methylmalonic acidemia type cblB. Review status: criteria provided, single submitter. Criteria: ACMG Guidelines, 2015. Collection method: research. Allele origin: germline. Affected: no. Observed: 1 variant allele. Study: NSIGHT-NC NEXUS.
Comment: The MMAB c.556C>T (p.R186W) variant is frequently observed in individuals with methylmalonic aciduria (MMA) and is associated with an early onset of disease symptoms (PMID: 16410054, 20301409).

carrier finding

PreventionGenetics, part of Exact Sciences
Classification: Pathogenic for MMAB-related condition. Last evaluated: 2024-07-23. Review status: no assertion criteria provided. Collection method: clinical testing. Allele origin: germline. Not counted in ClinVar's aggregate classification.
Comment: The MMAB c.556C>T variant is predicted to result in the amino acid substitution p.Arg186Trp. This variant has been reported to be one of the most common causes of autosomal recessive methylmalonic acidemia, cblB type (e.g., Dobson et al. 2002. PubMed ID: 12471062; Lerner-Ellis et al. 2006. PubMed ID: 16410054; Forny et al. 2019. PubMed ID: 31260114). A different substitution at the same amino acid (p.Arg186Gln) has also been reported as a pathogenic MMAB variant (e.g., Lerner-Ellis et al. 2006. PubMedID: 16410054). The p.Arg186 amino acid is one of four invariant residues that make up the surface of the cob(I)alamin adenosyltransferase enzyme cobalamin binding cleft, and is thought to potentially interact with cobalamin (Schubert and Hill. 2006. PubMed ID: 17176040). Functional studies also indicate that the p.Arg186Trp substitution may affect normal enzyme oligomerization (Brasil et al. 2018. PubMed ID: 29197662). This variant is reported in 0.025% of alleles in individuals of European (Non-Finnish) descent in gnomAD. In summary, we classify the c.556C>T (p.Arg186Trp) variant as pathogenic.

Baumgartner lab, University Children's Hospital Zurich
Classification: Pathogenic for Methylmalonic aciduria, cblB type. Last evaluated: 2021-06-01. Review status: no assertion criteria provided. Collection method: clinical testing. Allele origin: germline. Affected: yes. Not counted in ClinVar's aggregate classification.

Institute of Medical Genetics and Genomics, Sir Ganga Ram Hospital
Classification: Pathogenic for Methylmalonic aciduria, cblB type. Last evaluated: 2014-06-15. Review status: no assertion criteria provided. Collection method: research. Allele origin: germline. Affected: yes. Observed: 1 variant allele. Study: ORGANIC ACIDURIAS. Not counted in ClinVar's aggregate classification.
Comment: Missense mutation

OMIM
Classification: Pathogenic for METHYLMALONIC ACIDURIA, cblB TYPE. Last evaluated: 2002-12-15. Review status: no assertion criteria provided. Collection method: literature only. Allele origin: germline. Not counted in ClinVar's aggregate classification.

GeneReviews
No classification provided. Condition: Methylmalonic aciduria, cblB type. Review status: no classification provided. Collection method: literature only. Allele origin: germline. Affected: yes. Not counted in ClinVar's aggregate classification.

Literature cited by the submitters: PubMed 12471062 (cited by 10 submitters); PubMed 16410054 (cited by 10 submitters); PubMed 16439175 (cited by 6 submitters); PubMed 19625202 (cited by 6 submitters); PubMed 15044458 (cited by Victorian Clinical Genetics Services, Murdoch Childrens Research Institute); PubMed 22614770 (cited by 3 submitters); PubMed 24059531 (cited by 3 submitters); PubMed 29197662 (cited by Ambry Genetics); PubMed 31260114 (cited by AiLife Diagnostics); PubMed 17957493 (cited by Myriad Genetics, Inc.); PubMed 20696242 (cited by Myriad Genetics, Inc.); PubMed 21048060 (cited by Illumina Laboratory Services, Illumina); PubMed 23707710 (cited by Illumina Laboratory Services, Illumina); PubMed 16311595 (cited by Women's Health and Genetics/Laboratory Corporation of America, LabCorp); PubMed 20301409 (cited by UNC Molecular Genetics  Laboratory, University of North Carolina at Chapel Hill); NCBI Bookshelf NBK1231 (cited by GeneReviews).